The following is an entry in ClinVar:

ClinVar aggregate classification (germline): Benign (1 of 4 stars; one submission).

Allele frequency attached by ClinVar (database versions not stated): 1000 Genomes Project 0.02736; 1000 Genomes Project 30x 0.02998; gnomAD 0.03149 and 0.03415; TOPMed 0.03486.

Submission:

GeneDx
Classification: Benign. Last evaluated: 2018-06-16. Review status: criteria provided, single submitter. Criteria: GeneDx Variant Classification (06012015). Collection method: clinical testing. Allele origin: germline. Affected: yes.
Comment: This variant is considered likely benign or benign based on one or more of the following criteria: it is a conservative change, it occurs at a poorly conserved position in the protein, it is predicted to be benign by multiple in silico algorithms, and/or has population frequency not consistent with disease.

NM_000256.3(MYBPC3):c.-391C>T

Gene: MYBPC3 (myosin binding protein C3; minus strand). Cytogenetic location: 11p11.2.
Variant type: single nucleotide variant.
Coding change: c.-391C>T on transcript NM_000256.3 (MANE Select); 391 bases upstream of the start codon, C replaced by T.
Genome position (GRCh38, 1-based): chr11:47,353,038, G>A on the plus strand (C>T on the coding strand, the complement: MYBPC3 is on the minus strand). VCF-style: chr11-47353038-G-A. GRCh37 (hg19) VCF-style: chr11-47374589-G-A.
Identifiers: ClinVar variation 680965 (VCV000680965.1), dbSNP rs11570042, ClinGen allele CA221710351.